The following is an entry in ClinVar:

NM_025074.7(FRAS1):c.11298+1G>A

Gene: FRAS1 (Fraser extracellular matrix complex subunit 1; plus strand). Cytogenetic location: 4q21.21.
Variant type: single nucleotide variant.
Coding change: c.11298+1G>A on transcript NM_025074.7 (MANE Select); the canonical splice donor site of the intron after coding-DNA position 11298, G replaced by A.
Molecular consequence: splice donor variant.
Genome position (GRCh38, 1-based): chr4:78,537,201, G>A. VCF-style: chr4-78537201-G-A. GRCh37 (hg19) VCF-style: chr4-79458355-G-A.
Identifiers: ClinVar variation 916651 (VCV000916651.6), dbSNP rs371268544, ClinGen allele CA2979183.

ClinVar aggregate classification (germline): Pathogenic/Likely pathogenic. Review status: criteria provided, multiple submitters, no conflicts (2 of 4 stars). 4 submissions from 4 submitters: Pathogenic (1); Likely pathogenic (3). Last evaluated 2024-02-03.

Conditions:
FRAS1-related disorder. Also called: FRAS1-related condition.
Fraser syndrome 1 (FRASRS1). Also called: CRYPTOPHTHALMOS WITH OTHER MALFORMATIONS. Identifiers: Orphanet 2052, MedGen C4551480, MONDO:0054737, OMIM 219000.

Allele frequency attached by ClinVar (database versions not stated): ExAC 0.00001; gnomAD exomes 0.00001 and 0.00002; TOPMed 0.00002; gnomAD 0.00003; ESP Exome Variant Server 0.00008.
gnomAD v4.1: 30 of 1,612,902 alleles (0.0019%); highest among the groups gnomAD compares: Non-Finnish European, 0.0025%; no homozygotes.

Submissions (4):

Labcorp Genetics (formerly Invitae), Labcorp
Classification: Likely pathogenic. Last evaluated: 2024-02-03. Review status: criteria provided, single submitter. Criteria: Invitae Variant Classification Sherloc (09022015). Collection method: clinical testing. Allele origin: germline.
Comment: This sequence change affects a donor splice site in intron 72 of the FRAS1 gene. It is expected to disrupt RNA splicing. Variants that disrupt the donor or acceptor splice site typically lead to a loss of protein function (PMID: 16199547), and loss-of-function variants in FRAS1 are known to be pathogenic (PMID: 12766769, 18671281). This variant is present in population databases (rs371268544, gnomAD 0.002%). This variant has not been reported in the literature in individuals affected with FRAS1-related conditions. ClinVar contains an entry for this variant (Variation ID: 916651). Algorithms developed to predict the effect of sequence changes on RNA splicing suggest that this variant may disrupt the consensus splice site. In summary, the currently available evidence indicates that the variant is pathogenic, but additional data are needed to prove that conclusively. Therefore, this variant has been classified as Likely Pathogenic.

Fulgent Genetics
Classification: Likely pathogenic for Fraser syndrome 1. Last evaluated: 2024-02-02. Review status: criteria provided, single submitter. Criteria: ACMG Guidelines, 2015. Collection method: clinical testing. Allele origin: germline.

Blueprint Genetics
Classification: Likely pathogenic for FRAS1-related disorders. Last evaluated: 2021-10-14. Review status: criteria provided, single submitter. Criteria: ACMG Guidelines, 2015. Collection method: clinical testing. Allele origin: germline. Affected: yes. Observed: 2 variant alleles.

Service de Biochimie Médicale et Biologie Moléculaire, CHU Clermont-Ferrand
Classification: Pathogenic for Fraser syndrome 1. Last evaluated: 2018-09-14. Review status: criteria provided, single submitter. Criteria: ACMG Guidelines, 2015. Collection method: clinical testing. Allele origin: inherited. Inheritance: Autosomal recessive inheritance. Affected: yes.
Comment: This variant in homozygous state or compound heterozygous state induced Fraser syndrome phenotype

Literature cited by the submitters: PubMed 16199547 (cited by Labcorp Genetics (formerly Invitae), Labcorp); PubMed 12766769 (cited by Labcorp Genetics (formerly Invitae), Labcorp); PubMed 18671281 (cited by Labcorp Genetics (formerly Invitae), Labcorp).